The following is an entry in ClinVar:

NM_018834.6(MATR3):c.1572G>T (p.Lys524Asn)

Gene: MATR3 (matrin 3; plus strand). Cytogenetic location: 5q31.2.
Variant type: single nucleotide variant.
Coding change: c.1572G>T on transcript NM_018834.6 (MANE Select); coding-DNA position 1572, G replaced by T.
Protein change: p.Lys524Asn; replaces lysine 524 with asparagine.
Molecular consequence: missense variant.
Genome position (GRCh38, 1-based): chr5:139,319,471, G>T. VCF-style: chr5-139319471-G-T. GRCh37 (hg19) VCF-style: chr5-138655160-G-T.
Other names: c.1572G>T, p.Lys524Asn (NM_001194954.2, NM_001194955.2, NM_199189.3); c.708G>T, p.Lys236Asn (NM_001194956.2); c.558G>T, p.Lys186Asn (NM_001282278.2); short protein forms K236N, K186N, K524N.
Identifiers: ClinVar variation 664538 (VCV000664538.9), dbSNP rs1581251198, ClinGen allele CA361141657.
Genomic context (GRCh38, chr5:139,319,471, plus strand): 5'-GCATTCTGGCTATTCTGATAGTGCTGTTCTCAAGCTTGCTGAGCCTTATGGGAAAATAAA[G>T]AATTACATATTGATGAGGATGAAAAGTCAGGTAATATACATAAGGAAGTTTTAGAGAAGA-3'
Protein context (NP_061322.2, residues 514-534): LKLAEPYGKI[Lys524Asn]NYILMRMKSQ

ClinVar aggregate classification (germline): Uncertain significance (1 of 4 stars; one submission).

Conditions:
Amyotrophic lateral sclerosis type 21. Also called: VOCAL CORD AND PHARYNGEAL DYSFUNCTION WITH DISTAL MYOPATHY; MYOPATHY, DISTAL, 2. Identifiers: Orphanet 600, Orphanet 803, MedGen C3807521, MONDO:0011632, OMIM 606070.

Submission:

Labcorp Genetics (formerly Invitae), Labcorp
Classification: Uncertain significance for Amyotrophic lateral sclerosis type 21. Last evaluated: 2018-11-15. Review status: criteria provided, single submitter. Criteria: Invitae Variant Classification Sherloc (09022015). Collection method: clinical testing. Allele origin: germline.
Comment: In summary, the available evidence is currently insufficient to determine the role of this variant in disease. Therefore, it has been classified as a Variant of Uncertain Significance. Algorithms developed to predict the effect of missense changes on protein structure and function are either unavailable or do not agree on the potential impact of this missense change (SIFT: "Deleterious"; PolyPhen-2: "Probably Damaging"; Align-GVGD: "Class C0"). This variant has not been reported in the literature in individuals with MATR3-related disease. This variant is not present in population databases (ExAC no frequency). This sequence change replaces lysine with asparagine at codon 524 of the MATR3 protein (p.Lys524Asn). The lysine residue is highly conserved and there is a moderate physicochemical difference between lysine and asparagine.